The following is an entry in ClinVar:

ClinVar aggregate classification (germline): Likely pathogenic (1 of 4 stars; one submission).

Conditions:
Cornelia de Lange syndrome 5 (CDLS5). Also called: HDAC8-Related Cornelia de Lange Syndrome. Identifiers: Orphanet 199, MedGen C3550903, MONDO:0010471, OMIM 300882.

Submission:

3billion
Classification: Likely pathogenic for Cornelia de Lange syndrome 5. Last evaluated: 2024-10-11. Review status: criteria provided, single submitter. Criteria: ACMG Guidelines, 2015. Collection method: clinical testing. Allele origin: germline. Affected: yes.
Comment: The variant is not observed in the gnomAD v4.1.0 dataset. Predicted Consequence/Location: Stop-gained (nonsense): predicted to result in a loss or disruption of normal protein function through nonsense-mediated decay (NMD) or protein truncation. Multiple pathogenic variants are reported downstream of the variant. Therefore, this variant is classified as Likely pathogenic according to the recommendation of ACMG/AMP guideline.

NM_018486.3(HDAC8):c.462T>G (p.Tyr154Ter)

Gene: HDAC8 (histone deacetylase 8; minus strand). Cytogenetic location: Xq13.1.
Variant type: single nucleotide variant.
Coding change: c.462T>G on transcript NM_018486.3 (MANE Select); coding-DNA position 462, T replaced by G.
Protein change: p.Tyr154Ter; replaces tyrosine 154 with a stop codon.
Molecular consequence: nonsense. On other transcripts: non-coding transcript variant (5), intron variant (1).
Genome position (GRCh38, 1-based): chrX:72,495,244, A>C on the plus strand (T>G on the coding strand, the complement: HDAC8 is on the minus strand). VCF-style: chrX-72495244-A-C. GRCh37 (hg19) VCF-style: chrX-71715094-A-C.
Other names: c.189T>G, p.Tyr63Ter (NM_001166418.2, NM_001166448.2, NM_001410728.1); c.462T>G, p.Tyr154Ter (NM_001166419.2, NM_001410725.1, NM_001410727.1 and 2 more transcripts); c.438-30513T>G (NM_001441234.1); short protein forms Y154*, Y63*.
Identifiers: ClinVar variation 4293629 (VCV004293629.1).